The following continues an entry in ClinVar:

NM_000059.4(BRCA2):c.9227G>A (p.Gly3076Glu)

Gene: BRCA2. ClinVar aggregate classification (germline): Likely pathogenic. Likely pathogenic (1).

Submissions 8 to 12 of 12:

Genetics and Molecular Pathology, SA Pathology
Classification: Likely pathogenic for Breast-ovarian cancer, familial, susceptibility to, 2. Last evaluated: 2020-04-03. Review status: criteria provided, single submitter. Criteria: ACMG Guidelines, 2015. Collection method: clinical testing. Allele origin: germline. Inheritance: Autosomal dominant inheritance. Affected: yes. Not counted in ClinVar's aggregate classification.
Comment: The BRCA2 c.9227G>A variant is classified as Likely Pathogenic (PS3, PM2, PP5) The BRCA2 c.9227G>A variant is a single nucleotide change the BRCA2 gene, which is predicted to change the amino acid glycine at position 3076 in the protein to glutamic acid. The variant is rare in population databases (PM2). not in FLOSSIES - very rare 1 in 250000 alleles. Well-established functional studies show a deleterious effect of this variant (PS3). Invariantly conserved (to Class Echinodermata; Strongylocentrotus purpuratus) and in known functional domain Yang et al., 2002 PMID:12228710. no impact on splicing The variant has been reported in dbSNP (rs80359187) and has been reported with Conflicting interpretations of pathogenicity by other diagnostic laboratories (ClinVar Variation ID: 52780). It has not been reported in HGMD.

ARUP Laboratories, Molecular Genetics and Genomics, ARUP Laboratories
Classification: Likely pathogenic. Last evaluated: 2019-10-02. Review status: criteria provided, single submitter. Criteria: ARUP Molecular Germline Variant Investigation Process. Collection method: clinical testing. Allele origin: germline. Not counted in ClinVar's aggregate classification.
Comment: The BRCA2 c.9227G>A; p.Gly3076Glu variant (rs80359187) is reported in the literature in multiple individuals with a personal and/or family history of breast, ovarian, and/or pancreatic cancer (Alemar 2017, Hahn 2003, Ikeda 2001, Li 2018). In one family, this variant segregated with disease in at least three affected family members (Hahn 2003). This variant is found on a single chromosome in the Genome Aggregation Database (1/250980 alleles), indicating it is not a common polymorphism. The glycine at codon 3076 is highly conserved, and functional analyses indicate decreased activity in assays of homology-directed recombination (HDR) (Guidugli 2013, Guidugli 2018). Additionally, other amino acid substitutions at this codon (p.Gly3076Arg, p.Gly3076Val) exhibit decreased HDR activity (Guidugli 2018), and p.Gly3076Val has been reported in a cohort of individuals with breast and/or ovarian cancer (Alemar 2017); however, the clinical significance of other variants at the same codon has not been conclusively determined. Still, based on available information, the p.Gly3076Glu variant is considered to be likely pathogenic. References: Alemar B et al. BRCA1 and BRCA2 mutational profile and prevalence in hereditary breast and ovarian cancer (HBOC) probands from Southern Brazil: Are international testing criteria appropriate for this specific population? PLoS One. 2017 Nov 21;12(11):e0187630. Guidugli L et al. A classification model for BRCA2 DNA binding domain missense variants based on homology-directed repair activity. Cancer Res. 2013 Jan 1;73(1):265-75. Guidugli L et al. Assessment of the Clinical Relevance of BRCA2 Missense Variants by Functional and Computational Approaches. Am J Hum Genet. 2018 Feb 1;102(2):233-248. Hahn SA et al. BRCA2 germline mutations in familial pancreatic carcinoma. J Natl Cancer Inst. 2003 Feb 5;95(3):214-21. Ikeda N et al. Frequency of BRCA1 and BRCA2 germline mutations in Japanese breast cancer families. Int J Cancer. 2001 Jan 1;91(1):83-8. Li A et al. BRCA germline mutations in an unselected nationwide cohort of Chinese patients with ovarian cancer and healthy controls. Gynecol Oncol. 2018 Oct;151(1):145-152.

Cancer Variant Interpretation Group UK, Institute of Cancer Research, London
Classification: Likely pathogenic for Hereditary Breast and Ovarian Cancer. Last evaluated: 2018-10-09. Review status: criteria provided, single submitter. Criteria: ACMG Guidelines, 2015. Collection method: curation. Allele origin: germline. Not counted in ClinVar's aggregate classification.
Comment: Data used in classification: The frequency of this variant is 1/122,925 individuals (gnomAD) (PM2_mod). This variant is predicted deleterious on AlignGVGD (class: C65), SIFT (Deleterious), Polyphen2 HumVar (probably damaging) and CADD (27.7) (PP3_sup). The variant is in the DNA-binding domain of BRCA2 (PM1_sup). In the BRCA2 Homology-Directed Repair Activity assay for the DNA Binding Domain (Guidugli et al Cancer Res 2013;73:265-275,Couch Lab), the variant has a probability of pathogenicity of 1.0 (PS3_strong). This variant is classified as likely pathogenic by 2 submitters on ClinVar; accredited USA diagnostic laboratories Ambry Genetics and GeneDx, both classified in 2017 (PP5_sup). Data not used in classification: There are additional reports of this variant in ClinVar (3), BIC (2), and BRCA2 LOVD (1).

Counsyl
Classification: Uncertain significance for Breast-ovarian cancer, familial, susceptibility to, 2. Last evaluated: 2016-09-11. Review status: no assertion criteria provided. Collection method: clinical testing. Allele origin: unknown. Not counted in ClinVar's aggregate classification.

Breast Cancer Information Core (BIC) (BRCA2)
Classification: Uncertain significance for Breast-ovarian cancer, familial 2. Last evaluated: 1998-07-10. Review status: flagged submission. Collection method: clinical testing. Allele origin: germline. Affected: yes. Observed: 2 variant alleles. Not counted in ClinVar's aggregate classification.
ClinVar note: Reason: Outlier claim with insufficient supporting evidence

Literature cited by the submitters: PubMed 11149425 (cited by 4 submitters); PubMed 12228710 (cited by Ambry Genetics and Genetics and Molecular Pathology, SA Pathology); PubMed 12569143 (cited by 4 submitters); PubMed 19043619 (cited by 4 submitters); PubMed 23108138 (cited by 5 submitters); PubMed 29394989 (cited by 3 submitters); PubMed 29884841 (cited by Ambry Genetics and Quest Diagnostics Nichols Institute San Juan Capistrano); PubMed 22711857 (cited by 3 submitters); PubMed 30078507 (cited by Labcorp Genetics (formerly Invitae), Labcorp and Quest Diagnostics Nichols Institute San Juan Capistrano); PubMed 33609447 (cited by Labcorp Genetics (formerly Invitae), Labcorp and Quest Diagnostics Nichols Institute San Juan Capistrano); PubMed 30254663 (cited by Labcorp Genetics (formerly Invitae), Labcorp); PubMed 32814805 (cited by Labcorp Genetics (formerly Invitae), Labcorp); PubMed 30113427 (cited by Quest Diagnostics Nichols Institute San Juan Capistrano); PubMed 28324225 (cited by Quest Diagnostics Nichols Institute San Juan Capistrano); PubMed 28888541 (cited by Quest Diagnostics Nichols Institute San Juan Capistrano); PubMed 30040829 (cited by Quest Diagnostics Nichols Institute San Juan Capistrano); PubMed 29922827 (cited by Quest Diagnostics Nichols Institute San Juan Capistrano); PubMed 35736817 (cited by Quest Diagnostics Nichols Institute San Juan Capistrano); PubMed 20195775 (cited by Quest Diagnostics Nichols Institute San Juan Capistrano); PubMed 26402249 (cited by Quest Diagnostics Nichols Institute San Juan Capistrano); PubMed 26295337 (cited by Quest Diagnostics Nichols Institute San Juan Capistrano); PubMed 22632462 (cited by Counsyl).